The following is an entry in ClinVar:

ClinVar aggregate classification (germline): Uncertain significance (1 of 4 stars; one submission).

Conditions:
Glycogen storage disease, type II (IOPD). Also called: POMPE DISEASE, INFANTILE-ONSET; GLYCOGEN STORAGE DISEASE II, INFANTILE-ONSET; Glucosidase acid-1,4-alpha deficiency; Pompe Disease; CARDIOMEGALIA GLYCOGENICA DIFFUSA; Glycogen storage disease type 2. Identifiers: Orphanet 365, MedGen C0017921, MONDO:0009290, OMIM 232300.

Submission:

Labcorp Genetics (formerly Invitae), Labcorp
Classification: Uncertain significance for Glycogen storage disease, type II. Last evaluated: 2025-08-18. Review status: criteria provided, single submitter. Criteria: Invitae Variant Classification Sherloc (09022015). Collection method: clinical testing. Allele origin: germline.
Comment: This sequence change falls in intron 11 of the GAA gene. It does not directly change the encoded amino acid sequence of the GAA protein. This variant is not present in population databases (gnomAD no frequency). This variant has not been reported in the literature in individuals affected with GAA-related conditions. ClinVar contains an entry for this variant (Variation ID: 2161229). Algorithms developed to predict the effect of sequence changes on RNA splicing suggest that this variant may disrupt the consensus splice site. In summary, the available evidence is currently insufficient to determine the role of this variant in disease. Therefore, it has been classified as a Variant of Uncertain Significance.

NM_000152.5(GAA):c.1637-12_1637-9del

Gene: GAA (alpha glucosidase; plus strand). Cytogenetic location: 17q25.3.
Variant type: Deletion.
Coding change: c.1637-12_1637-9del on transcript NM_000152.5 (MANE Select); 12 bases into the intron before coding-DNA position 1637 through 9 bases into the intron before coding-DNA position 1637, 4 bases deleted (CGCC; older notation c.1637-12_1637-9delCGCC).
Molecular consequence: intron variant.
Genome position (GRCh38, 1-based): chr17:80,111,971-80,111,974, CGCC deleted; deleting any 4 consecutive bases within chr17:80,111,969-80,111,974 gives the same sequence; the c. name uses the placement nearest the transcript's 3' end. VCF-style (leftmost placement, unchanged base first): chr17-80111968-CCCCG-C. GRCh37 (hg19) VCF-style: chr17-78085767-CCCCG-C.
Other names: c.1637-12_1637-9del (NM_001079803.3, NM_001079804.3).
Identifiers: ClinVar variation 2161229 (VCV002161229.4), dbSNP rs2510378207, ClinGen allele CA2580095767.